The following is an entry in ClinVar:

NM_015340.4(LARS2):c.2282A>G (p.Asn761Ser)

Gene: LARS2 (leucyl-tRNA synthetase 2, mitochondrial; plus strand). Cytogenetic location: 3p21.31.
Variant type: single nucleotide variant.
Coding change: c.2282A>G on transcript NM_015340.4 (MANE Select); coding-DNA position 2282, A replaced by G.
Protein change: p.Asn761Ser; replaces asparagine 761 with serine.
Molecular consequence: missense variant.
Genome position (GRCh38, 1-based): chr3:45,520,286, A>G. VCF-style: chr3-45520286-A-G. GRCh37 (hg19) VCF-style: chr3-45561778-A-G.
Other names: c.2282A>G, p.Asn761Ser (NM_001368263.1); c.2282A>G (NM_015340.3); short protein forms N761S.
Identifiers: ClinVar variation 2045590 (VCV002045590.3), dbSNP rs369702791, ClinGen allele CA2349818.
Genomic context (GRCh38, chr3:45,520,286, plus strand): 5'-CCCATTTCACAGAGGACTTCTCACTGAATTCTGCAATTTCTCAGCTGATGGGACTCAGCA[A>G]TGCCCTCTCGGTAAGTGGCCTGTCCTCATTTGCTGGTAGCAGAGGAGGGAGGGAGAGGTG-3'
Protein context (NP_056155.1, residues 751-771): SAISQLMGLS[Asn761Ser]ALSQASQSVI

ClinVar aggregate classification (germline): Conflicting classifications of pathogenicity. Review status: criteria provided, conflicting classifications (1 of 4 stars). 2 submissions from 2 submitters: Uncertain significance (1); Likely benign (1). Last evaluated 2024-08-05.

Conditions:
Inborn genetic diseases. Identifiers: MedGen C0950123, MeSH D030342.

Allele frequency attached by ClinVar (database versions not stated): gnomAD exomes 0.00001; ExAC 0.00006; gnomAD 0.00007; ESP Exome Variant Server 0.00008; TOPMed 0.00011; 1000 Genomes Project 30x 0.00016; 1000 Genomes Project 0.00020.
gnomAD v4.1: 18 of 1,612,632 alleles (0.0011%); highest among the groups gnomAD compares: African/African-American, 0.017%; no homozygotes.

Submissions (2):

Ambry Genetics
Classification: Likely benign for Inborn genetic diseases. Last evaluated: 2024-08-05. Review status: criteria provided, single submitter. Criteria: Ambry Variant Classification Scheme 2023. Collection method: clinical testing. Allele origin: germline.

Labcorp Genetics (formerly Invitae), Labcorp
Classification: Uncertain significance. Last evaluated: 2023-08-10. Review status: criteria provided, single submitter. Criteria: Invitae Variant Classification Sherloc (09022015). Collection method: clinical testing. Allele origin: germline.
Comment: ClinVar contains an entry for this variant (Variation ID: 2045590). In summary, the available evidence is currently insufficient to determine the role of this variant in disease. Therefore, it has been classified as a Variant of Uncertain Significance. Advanced modeling of protein sequence and biophysical properties (such as structural, functional, and spatial information, amino acid conservation, physicochemical variation, residue mobility, and thermodynamic stability) performed at Invitae indicates that this missense variant is not expected to disrupt LARS2 protein function. This variant has not been reported in the literature in individuals affected with LARS2-related conditions. The frequency data for this variant in the population databases is considered unreliable, as metrics indicate poor data quality at this position in the gnomAD database. This sequence change replaces asparagine, which is neutral and polar, with serine, which is neutral and polar, at codon 761 of the LARS2 protein (p.Asn761Ser).